The following is an entry in ClinVar:

ClinVar aggregate classification (germline): Pathogenic (1 of 4 stars; one submission).

Conditions:
Familial adenomatous polyposis 1 (FAP1). Also called: POLYPOSIS, ADENOMATOUS INTESTINAL; FAMILIAL ADENOMATOUS POLYPOSIS 1, ATTENUATED. Identifiers: MedGen C2713442, MONDO:0021056, OMIM 175100. Disease mechanism: loss of function.

Submission:

Myriad Genetics, Inc.
Classification: Pathogenic for Familial adenomatous polyposis 1. Last evaluated: 2023-05-10. Review status: criteria provided, single submitter. Criteria: Myriad Autosomal Dominant, Autosomal Recessive and X-Linked Classification Criteria (2023). Collection method: clinical testing. Allele origin: unknown.
Comment: This variant is considered pathogenic. This variant creates a frameshift predicted to result in premature protein truncation.

NM_000038.6(APC):c.4343_4353del (p.Thr1448fs)

Gene: APC (APC regulator of Wnt signaling pathway; plus strand). Cytogenetic location: 5q22.2.
Variant type: Deletion.
Coding change: c.4343_4353del on transcript NM_000038.6 (MANE Select); coding-DNA positions 4343 to 4353, 11 bases deleted (CCAAGCGAGAA).
Protein change: p.Thr1448fs; shifts the reading frame from threonine 1448.
Molecular consequence: frameshift variant. On other transcripts: non-coding transcript variant (2).
Genome position (GRCh38, 1-based): chr5:112,839,937-112,839,947, CCAAGCGAGAA deleted; deleting any 11 consecutive bases within chr5:112,839,935-112,839,947 gives the same sequence; the c. name uses the placement nearest the transcript's 3' end. VCF-style (leftmost placement, unchanged base first): chr5-112839934-AAACCAAGCGAG-A. GRCh37 (hg19) VCF-style: chr5-112175631-AAACCAAGCGAG-A.
Other names: c.4343_4353del, p.Thr1448fs (NM_001127510.3, NM_001354895.2, NM_001407450.1); c.4289_4299del, p.Thr1430fs (NM_001127511.3); c.4397_4407del, p.Thr1466fs (NM_001354896.2, NM_001407447.1, NM_001407448.1 and 1 more transcripts); c.4373_4383del, p.Thr1458fs (NM_001354897.2); c.4268_4278del, p.Thr1423fs (NM_001354898.2); c.4259_4269del, p.Thr1420fs (NM_001354899.2); c.4220_4230del, p.Thr1407fs (NM_001354900.2); c.4166_4176del, p.Thr1389fs (NM_001354901.2, NM_001407453.1); and 11 more; short protein forms T1064fs, T1165fs, T1288fs, T1319fs, T1322fs, T1347fs, T1357fs, T1365fs.
Identifiers: ClinVar variation 2583523 (VCV002583523.1), dbSNP rs2533567515, ClinGen allele CA2582341277.
Genomic context (GRCh38, chr5:112,839,934, plus strand): 5'-CTGGACAAACCATGCCACCAAGCAGAAGTAAAACACCTCCACCACCTCCTCAAACAGCTC[AAACCAAGCGAG>A]AAGTACCTAAAAATAAAGCACCTACTGCTGAAAAGAGAGAGAGTGGACCTAAGCAAGCTG-3'